The following is an entry in ClinVar:

NM_000520.6(HEXA):c.1317C>G (p.Pro439=)

Gene: HEXA (hexosaminidase subunit alpha; minus strand). Cytogenetic location: 15q23.
Variant type: single nucleotide variant.
Coding change: c.1317C>G on transcript NM_000520.6 (MANE Select); coding-DNA position 1317, C replaced by G.
Protein change: p.Pro439=; no amino-acid change (proline 439 retained).
Molecular consequence: synonymous variant.
Genome position (GRCh38, 1-based): chr15:72,346,540, G>C on the plus strand (C>G on the coding strand, the complement: HEXA is on the minus strand). VCF-style: chr15-72346540-G-C. GRCh37 (hg19) VCF-style: chr15-72638881-G-C.
Other names: c.1317C>G (NM_000520.5); c.1350C>G, p.Pro450= (NM_001318825.2).
Identifiers: ClinVar variation 1592351 (VCV001592351.37), dbSNP rs1003506073, ClinGen allele CA272610094.

ClinVar aggregate classification (germline): Likely benign. Review status: criteria provided, multiple submitters, no conflicts (2 of 4 stars). 6 submissions from 6 submitters: Likely benign (5). 1 of the submissions does not count toward it. Last evaluated 2026-01-13.

Conditions:
HEXA-related disorder. Also called: HEXA-related condition.
Inborn genetic diseases. Identifiers: MedGen C0950123, MeSH D030342.
Tay-Sachs disease (TSD). Also called: Hexosaminidase A Deficiency; HEXA DEFICIENCY; HEXA Disorders; GM2 gangliosidosis, type 1; Hexosaminidase alpha-subunit deficiency (variant B); Sphingolipidosis, Tay-Sachs. Identifiers: Orphanet 845, MedGen C0039373, MONDO:0010100, OMIM 272800.

gnomAD v4.1: 195 of 1,613,834 alleles (0.012%); highest among the groups gnomAD compares: Non-Finnish European, 0.016%; no homozygotes.

Submissions (6):

Labcorp Genetics (formerly Invitae), Labcorp
Classification: Likely benign for Tay-Sachs disease. Last evaluated: 2026-01-13. Review status: criteria provided, single submitter. Criteria: Invitae Variant Classification Sherloc (09022015). Collection method: clinical testing. Allele origin: germline.

Women's Health and Genetics/Laboratory Corporation of America, LabCorp
Classification: Likely benign. Last evaluated: 2025-03-14. Review status: criteria provided, single submitter. Criteria: LabCorp Variant Classification Summary - May 2015. Collection method: clinical testing. Allele origin: germline.

Blueprint Genetics
Classification: Likely benign. Last evaluated: 2024-06-10. Review status: criteria provided, single submitter. Criteria: ACMG Guidelines, 2015. Collection method: clinical testing. Allele origin: germline.

CeGaT Center for Human Genetics Tuebingen
Classification: Likely benign. Last evaluated: 2022-10-01. Review status: criteria provided, single submitter. Criteria: CeGaT Center For Human Genetics Tuebingen Variant Classification Criteria Version 2. Collection method: clinical testing. Allele origin: germline. Affected: yes. Observed: 1 variant allele.
Comment: HEXA: BP4, BP7

Ambry Genetics
Classification: Likely benign for Inborn genetic diseases. Last evaluated: 2021-12-16. Review status: criteria provided, single submitter. Criteria: Ambry Variant Classification Scheme 2023. Collection method: clinical testing. Allele origin: germline.

PreventionGenetics, part of Exact Sciences
Classification: Likely benign for HEXA-related condition. Last evaluated: 2020-01-20. Review status: no assertion criteria provided. Collection method: clinical testing. Allele origin: germline. Not counted in ClinVar's aggregate classification.
Comment: This variant is classified as likely benign based on ACMG/AMP sequence variant interpretation guidelines (Richards et al. 2015 PMID: 25741868, with internal and published modifications).